The following is an entry in ClinVar:

NM_000152.5(GAA):c.2167G>A (p.Val723Met)

Gene: GAA (alpha glucosidase; plus strand). Cytogenetic location: 17q25.3.
Variant type: single nucleotide variant.
Coding change: c.2167G>A on transcript NM_000152.5 (MANE Select); coding-DNA position 2167, G replaced by A.
Protein change: p.Val723Met; replaces valine 723 with methionine.
Molecular consequence: missense variant.
Genome position (GRCh38, 1-based): chr17:80,113,344, G>A. VCF-style: chr17-80113344-G-A. GRCh37 (hg19) VCF-style: chr17-78087143-G-A.
Other names: c.2167G>A (NM_000152.4); c.2167G>A, p.Val723Met (NM_001079803.3, NM_001079804.3); short protein forms V723M.
Identifiers: ClinVar variation 1071063 (VCV001071063.15), dbSNP rs767247397, ClinGen allele CA8815635.
Genomic context (GRCh38, chr17:80,113,344, plus strand): 5'-TACGCACTCCTCCCCCACCTCTACACACTGTTCCACCAGGCCCACGTCGCGGGGGAGACC[G>A]TGGCCCGGCCCCTCTTCCTGGAGTGAGTGACCTAGGCAGGGGCGGTGGCCCATGTGTGCC-3'
Protein context (NP_000143.2, residues 713-733): FHQAHVAGET[Val723Met]ARPLFLEFPK

ClinVar aggregate classification (germline): Pathogenic/Likely pathogenic. Review status: criteria provided, multiple submitters, no conflicts (2 of 4 stars). 4 submissions from 4 submitters: Pathogenic (1); Likely pathogenic (3). Last evaluated 2026-07-01.

Conditions:
Glycogen storage disease, type II (IOPD). Also called: POMPE DISEASE, INFANTILE-ONSET; GLYCOGEN STORAGE DISEASE II, INFANTILE-ONSET; ACID ALPHA-GLUCOSIDASE DEFICIENCY, INFANTILE-ONSET; GAA DEFICIENCY, INFANTILE-ONSET; ACID MALTASE DEFICIENCY, INFANTILE-ONSET; Pompe Disease. Identifiers: Orphanet 365, MedGen C0017921, MONDO:0009290, OMIM 232300.

Allele frequency attached by ClinVar (database versions not stated): gnomAD exomes below 0.00001; ExAC 0.00004.
gnomAD v4.1: 3 of 1,588,950 alleles (0.00019%); highest among the groups gnomAD compares: Non-Finnish European, 0.00026%; no homozygotes.

Submissions (4):

Genomenon, Inc
Classification: Likely pathogenic for Glycogen storage disease, type II. Last evaluated: 2026-07-01. Review status: criteria provided, single submitter. Criteria: Genomenon Sequence Variant Interpretation Standards - Updated. Collection method: curation. Allele origin: germline. Affected: yes.
Comment: GAA p.Val723Met (c.2167G>A) is a missense variant that changes the amino acid at codon 723 from Valine to Methionine. This variant has been observed in at least one proband with a GAA-related disorder in the compound heterozygous and/or homozygous state (PMID:37087815;29124014). It is absent or not present at a significant frequency in gnomAD. In silico models predict that this variant is possibly or probably damaging. In conclusion, we classify GAA p.Val723Met (c.2167G>A) as a likely pathogenic variant.

Labcorp Genetics (formerly Invitae), Labcorp
Classification: Pathogenic for Glycogen storage disease, type II. Last evaluated: 2025-10-24. Review status: criteria provided, single submitter. Criteria: Invitae Variant Classification Sherloc (09022015). Collection method: clinical testing. Allele origin: germline.
Comment: This sequence change replaces valine, which is neutral and non-polar, with methionine, which is neutral and non-polar, at codon 723 of the GAA protein (p.Val723Met). The frequency data for this variant in the population databases is considered unreliable, as metrics indicate poor data quality at this position in the gnomAD database. This missense change has been observed in individual(s) with Pompe disease (PMID: 29124014, 31076647). In at least one individual the data is consistent with being in trans (on the opposite chromosome) from a pathogenic variant. ClinVar contains an entry for this variant (Variation ID: 1071063). Invitae Evidence Modeling of protein sequence and biophysical properties (such as structural, functional, and spatial information, amino acid conservation, physicochemical variation, residue mobility, and thermodynamic stability) indicates that this missense variant is expected to disrupt GAA protein function with a positive predictive value of 95%. For these reasons, this variant has been classified as Pathogenic.

Revvity Omics, Revvity
Classification: Likely pathogenic. Last evaluated: 2024-10-17. Review status: criteria provided, single submitter. Criteria: ACMG Guidelines, 2015. Collection method: clinical testing. Allele origin: germline.

Women's Health and Genetics/Laboratory Corporation of America, LabCorp
Classification: Likely pathogenic for Glycogen storage disease, type II. Last evaluated: 2023-08-18. Review status: criteria provided, single submitter. Criteria: LabCorp Variant Classification Summary - May 2015. Collection method: clinical testing. Allele origin: germline.
Comment: Variant summary: GAA c.2167G>A (p.Val723Met) results in a conservative amino acid change in the encoded protein sequence. Four of five in-silico tools predict a damaging effect of the variant on protein function. The variant allele was found at a frequency of 9.5e-06 in 211374 control chromosomes (gnomAD). The available data on variant occurrences in the general population are insufficient to allow any conclusion about variant significance. c.2167G>A has been reported in the literature in several compound heterozygous individuals affected with Glycogen Storage Disease, Type 2 (Pompe Disease) (e.g., Qiu_2007, Lin_2017, Fukuhara_2018, Sniderman-King_2023). These data indicate that the variant is likely to be associated with disease. To our knowledge, no experimental evidence demonstrating an impact on protein function has been reported. The following publications have been ascertained in the context of this evaluation (PMID: 29124014, 28196920, 18211760, 37087815). Two submitters have reported clinical-significance assessments for this variant to ClinVar after 2014. Both submitters classified the variant as pathogenic/likely pathogenic. Based on the evidence outlined above, the variant was classified as likely pathogenic.

Literature cited by the submitters: PubMed 37087815 (cited by Genomenon, Inc and Women's Health and Genetics/Laboratory Corporation of America, LabCorp); PubMed 29124014 (cited by 3 submitters); PubMed 31076647 (cited by Labcorp Genetics (formerly Invitae), Labcorp); PubMed 18211760 (cited by Women's Health and Genetics/Laboratory Corporation of America, LabCorp); PubMed 28196920 (cited by Women's Health and Genetics/Laboratory Corporation of America, LabCorp).